The following is an entry in ClinVar:

NM_001177701.3(IFT27):c.18C>A (p.Ala6=)

Genes: IFT27 (intraflagellar transport 27; minus strand), LOC130067336 (ATAC-STARR-seq lymphoblastoid silent region 13671; plus strand). Cytogenetic location: 22q12.3.
Variant type: single nucleotide variant.
Coding change: c.18C>A on transcript NM_001177701.3 (MANE Select); coding-DNA position 18, C replaced by A.
Protein change: p.Ala6=; no amino-acid change (alanine 6 retained).
Molecular consequence: synonymous variant. On other transcripts: non-coding transcript variant (1).
Genome position (GRCh38, 1-based): chr22:36,775,690, G>T on the plus strand (C>A on the coding strand, the complement: IFT27 is on the minus strand). VCF-style: chr22-36775690-G-T. GRCh37 (hg19) VCF-style: chr22-37171734-G-T.
Other names: c.18C>A, p.Ala6= (NM_001363003.2, NM_006860.5).
Identifiers: ClinVar variation 4992105 (VCV004992105.1).

ClinVar aggregate classification (germline): Likely benign (1 of 4 stars; one submission).

Conditions:
IFT27-related disorder. Also called: IFT27-related condition.

Submission:

PreventionGenetics, part of Exact Sciences
Classification: Likely benign for IFT27-related condition. Last evaluated: 2025-08-28. Review status: criteria provided, single submitter. Criteria: ACMG Guidelines, 2015. Collection method: clinical testing. Allele origin: germline.
Comment: This variant is classified as likely benign based on ACMG/AMP sequence variant interpretation guidelines (Richards et al. 2015 PMID: 25741868, with internal and published modifications).